The following is an entry in ClinVar:

ClinVar aggregate classification (germline): Uncertain significance. Review status: criteria provided, multiple submitters, no conflicts (2 of 4 stars). 4 submissions from 4 submitters: Uncertain significance (4). Last evaluated 2026-08-01.

gnomAD v4.1: 3 of 1,594,268 alleles (0.00019%); highest among the groups gnomAD compares: South Asian, 0.0023%; no homozygotes.

Submissions (4):

CeGaT Center for Human Genetics Tuebingen
Classification: Uncertain significance. Last evaluated: 2026-08-01. Review status: criteria provided, single submitter. Criteria: CeGaT Center For Human Genetics Tuebingen Variant Classification Criteria Version 2. Collection method: clinical testing. Allele origin: germline. Affected: yes. Observed: 1 variant allele.
Comment: NOTCH3: PM2, PP3

Labcorp Genetics (formerly Invitae), Labcorp
Classification: Uncertain significance. Last evaluated: 2025-09-01. Review status: criteria provided, single submitter. Criteria: Invitae Variant Classification Sherloc (09022015). Collection method: clinical testing. Allele origin: germline.
Comment: This sequence change replaces cysteine, which is neutral and slightly polar, with tyrosine, which is neutral and polar, at codon 1277 of the NOTCH3 protein (p.Cys1277Tyr). The frequency data for this variant in the population databases is considered unreliable, as metrics indicate poor data quality at this position in the gnomAD database. This variant has not been reported in the literature in individuals affected with NOTCH3-related conditions. Invitae Evidence Modeling of protein sequence and biophysical properties (such as structural, functional, and spatial information, amino acid conservation, physicochemical variation, residue mobility, and thermodynamic stability) indicates that this missense variant is expected to disrupt NOTCH3 protein function with a positive predictive value of 95%. In summary, the available evidence is currently insufficient to determine the role of this variant in disease. Therefore, it has been classified as a Variant of Uncertain Significance.

Revvity Omics, Revvity
Classification: Uncertain significance. Last evaluated: 2024-06-19. Review status: criteria provided, single submitter. Criteria: ACMG Guidelines, 2015. Collection method: clinical testing. Allele origin: germline.

Blueprint Genetics
Classification: Uncertain significance. Last evaluated: 2023-09-06. Review status: criteria provided, single submitter. Criteria: ACMG Guidelines, 2015. Collection method: clinical testing. Allele origin: germline.

NM_000435.3(NOTCH3):c.3830G>A (p.Cys1277Tyr)

Gene: NOTCH3 (notch receptor 3; minus strand). Cytogenetic location: 19p13.12.
Variant type: single nucleotide variant.
Coding change: c.3830G>A on transcript NM_000435.3 (MANE Select); coding-DNA position 3830, G replaced by A.
Protein change: p.Cys1277Tyr; replaces cysteine 1277 with tyrosine.
Molecular consequence: missense variant.
Genome position (GRCh38, 1-based): chr19:15,178,830, C>T on the plus strand (G>A on the coding strand, the complement: NOTCH3 is on the minus strand). VCF-style: chr19-15178830-C-T. GRCh37 (hg19) VCF-style: chr19-15289641-C-T.
Other names: short protein forms C1277Y.
Identifiers: ClinVar variation 4079444 (VCV004079444.4).